The following is an entry in ClinVar:

ClinVar aggregate classification (germline): Benign (1 of 4 stars; one submission).

Allele frequency attached by ClinVar (database versions not stated): 1000 Genomes Project 0.13458; 1000 Genomes Project 30x 0.13757; gnomAD 0.14822 and 0.15286; TOPMed 0.15378.
gnomAD v4.1: 22,583 of 152,192 alleles (15%); highest among the groups gnomAD compares: African/African-American, 24%; 1,945 homozygotes.

Submission:

GeneDx
Classification: Benign. Last evaluated: 2019-10-16. Review status: criteria provided, single submitter. Criteria: GeneDx Variant Classification Process June 2021. Collection method: clinical testing. Allele origin: germline. Affected: yes.
Comment: This variant is associated with the following publications: (PMID: 31039173)

NM_005502.4(ABCA1):c.161-1670A>G

Gene: ABCA1 (ATP binding cassette subfamily A member 1; minus strand). Cytogenetic location: 9q31.1.
Variant type: single nucleotide variant.
Coding change: c.161-1670A>G on transcript NM_005502.4 (MANE Select); 1670 bases into the intron before coding-DNA position 161, A replaced by G.
Molecular consequence: intron variant.
Genome position (GRCh38, 1-based): chr9:104,886,238, T>C on the plus strand (A>G on the coding strand, the complement: ABCA1 is on the minus strand). VCF-style: chr9-104886238-T-C. GRCh37 (hg19) VCF-style: chr9-107648519-T-C.
Identifiers: ClinVar variation 1257460 (VCV001257460.2), dbSNP rs3847301, ClinGen allele CA15592334.